The following is an entry in ClinVar:

ClinVar aggregate classification (germline): Uncertain significance (1 of 4 stars; one submission).

Conditions:
Myopathy, proximal, and ophthalmoplegia (CMYO6). Also called: CONGENITAL MYOPATHY 6 WITH OPHTHALMOPLEGIA; MYOPATHY WITH CONGENITAL JOINT CONTRACTURES, OPHTHALMOPLEGIA, AND RIMMED VACUOLES; INCLUSION BODY MYOPATHY 3, AUTOSOMAL DOMINANT. Identifiers: Orphanet 363677, Orphanet 79091, MedGen C1854106, MONDO:0011577, OMIM 605637.

Submission:

Labcorp Genetics (formerly Invitae), Labcorp
Classification: Uncertain significance for Myopathy, proximal, and ophthalmoplegia. Last evaluated: 2022-10-05. Review status: criteria provided, single submitter. Criteria: Invitae Variant Classification Sherloc (09022015). Collection method: clinical testing. Allele origin: germline.
Comment: This variant has not been reported in the literature in individuals affected with MYH2-related conditions. This variant is not present in population databases (gnomAD no frequency). This sequence change replaces glutamine, which is neutral and polar, with glutamic acid, which is acidic and polar, at codon 808 of the MYH2 protein (p.Gln808Glu). Advanced modeling of protein sequence and biophysical properties (such as structural, functional, and spatial information, amino acid conservation, physicochemical variation, residue mobility, and thermodynamic stability) performed at Invitae indicates that this missense variant is not expected to disrupt MYH2 protein function. In summary, the available evidence is currently insufficient to determine the role of this variant in disease. Therefore, it has been classified as a Variant of Uncertain Significance.

NM_017534.6(MYH2):c.2422C>G (p.Gln808Glu)

Genes: MYHAS (myosin heavy chain gene cluster antisense RNA; plus strand), MYH2 (myosin heavy chain 2; minus strand). Cytogenetic location: 17p13.1.
Variant type: single nucleotide variant.
Coding change: c.2422C>G on transcript NM_017534.6 (MANE Select); coding-DNA position 2422, C replaced by G.
Protein change: p.Gln808Glu; replaces glutamine 808 with glutamic acid.
Molecular consequence: missense variant.
Genome position (GRCh38, 1-based): chr17:10,533,304, G>C on the plus strand (C>G on the coding strand, the complement: MYH2 is on the minus strand). VCF-style: chr17-10533304-G-C. GRCh37 (hg19) VCF-style: chr17-10436621-G-C.
Other names: c.2422C>G, p.Gln808Glu (NM_001100112.2); short protein forms Q808E.
Identifiers: ClinVar variation 1971938 (VCV001971938.5), dbSNP rs2508440905, ClinGen allele CA398147915.